The following is an entry in ClinVar:

ClinVar aggregate classification (germline): Uncertain significance. Review status: criteria provided, multiple submitters, no conflicts (2 of 4 stars). 3 submissions from 3 submitters: Uncertain significance (3). Last evaluated 2026-08-11.

Conditions:
Acute myeloid leukemia (AML). Also called: Leukemia, acute myeloid, somatic; Leukemia, acute myelogenous, somatic; Acute myeloid leukemia, adult; AML adult; Acute non-lymphocytic leukemia; Acute granulocytic leukemia. Identifiers: Orphanet 519, MedGen C0023467, MeSH D015470, MONDO:0018874, OMIM 601626, HP:0004808. Disease mechanism: Constitutively activated FLT3.
Hereditary cancer-predisposing syndrome. Also called: Neoplastic Syndromes, Hereditary; Tumor predisposition; Hereditary Cancer Syndrome; Hereditary neoplastic syndrome. Identifiers: Orphanet 140162, MedGen C0027672, MeSH D009386, MONDO:0015356.
Inborn genetic diseases. Identifiers: MedGen C0950123, MeSH D030342.

Allele frequency attached by ClinVar (database versions not stated): gnomAD exomes below 0.00001.

Submissions (3):

Ambry Genetics
Classification: Uncertain significance for Inborn genetic diseases. Last evaluated: 2026-08-11. Review status: criteria provided, single submitter. Criteria: Ambry Variant Classification Scheme 2023. Collection method: clinical testing. Allele origin: germline.
Comment: The p.Q88R variant (also known as c.263A>G), located in coding exon 1 of the CEBPA gene, results from an A to G substitution at nucleotide position 263. The glutamine at codon 88 is replaced by arginine, an amino acid with highly similar properties. This amino acid position is conserved. In addition, this alteration is predicted to be tolerated by in silico analysis. Based on the available evidence, the clinical significance of this variant remains unclear.

Labcorp Genetics (formerly Invitae), Labcorp
Classification: Uncertain significance for Acute myeloid leukemia. Last evaluated: 2022-12-02. Review status: criteria provided, single submitter. Criteria: Invitae Variant Classification Sherloc (09022015). Collection method: clinical testing. Allele origin: germline.
Comment: ClinVar contains an entry for this variant (Variation ID: 1692803). In summary, the available evidence is currently insufficient to determine the role of this variant in disease. Therefore, it has been classified as a Variant of Uncertain Significance. Advanced modeling of protein sequence and biophysical properties (such as structural, functional, and spatial information, amino acid conservation, physicochemical variation, residue mobility, and thermodynamic stability) performed at Invitae indicates that this missense variant is not expected to disrupt CEBPA protein function. This variant has not been reported in the literature in individuals affected with CEBPA-related conditions. This variant is not present in population databases (gnomAD no frequency). This sequence change replaces glutamine, which is neutral and polar, with arginine, which is basic and polar, at codon 88 of the CEBPA protein (p.Gln88Arg).

Sema4
Classification: Uncertain significance for Hereditary cancer-predisposing syndrome. Last evaluated: 2021-12-02. Review status: criteria provided, single submitter. Criteria: Sema4 Curation Guidelines. Collection method: curation. Allele origin: germline.
Comment: The CEBPA c.263A>G (p.Q88R) variant has not been reported in the literature to our knowledge. It was not observed in the large and broad cohorts of the Genome Aggregation Database. The variant has not been reported in ClinVar. In silico tools suggest the impact of the variant on protein function is benign, though these predictions have not been confirmed by functional studies. The evidence is insufficient to meet ACMG/AMP criteria for classifying the variant as benign or pathogenic. Thus, the clinical significance of this variant is currently uncertain.

NM_004364.5(CEBPA):c.263A>G (p.Gln88Arg)

Gene: CEBPA (CCAAT enhancer binding protein alpha; minus strand). Cytogenetic location: 19q13.11.
Variant type: single nucleotide variant.
Coding change: c.263A>G on transcript NM_004364.5 (MANE Select); coding-DNA position 263, A replaced by G.
Protein change: p.Gln88Arg; replaces glutamine 88 with arginine.
Molecular consequence: missense variant. On other transcripts: 5 prime UTR variant (1).
Genome position (GRCh38, 1-based): chr19:33,302,152, T>C on the plus strand (A>G on the coding strand, the complement: CEBPA is on the minus strand). VCF-style: chr19-33302152-T-C. GRCh37 (hg19) VCF-style: chr19-33793058-T-C.
Other names: c.-95A>G (NM_001285829.2); c.368A>G, p.Gln123Arg (NM_001287424.2); c.221A>G, p.Gln74Arg (NM_001287435.2); short protein forms Q123R, Q74R, Q88R.
Identifiers: ClinVar variation 1692803 (VCV001692803.5), dbSNP rs2145263423, ClinGen allele CA405275320.
Genomic context (GRCh38, chr19:33,302,152, plus strand): 5'-TAGTCAAAGTCGCCGCCGCCGCCGCCGCCCGTGGGGCCCACGGCCGCCTTGGCCTTCTCC[T>C]GCTGCCGGCTGTGCTGGAACAGGTCGGCCAGGAACTCGTCGTTGAAGGCGGCCGGGTCGA-3'
Protein context (NP_004355.2, residues 78-98): LADLFQHSRQ[Gln88Arg]EKAKAAVGPT